The following is an entry in ClinVar:

NM_006766.5(KAT6A):c.4707C>A (p.Tyr1569Ter)

Gene: KAT6A (lysine acetyltransferase 6A; minus strand). Cytogenetic location: 8p11.21.
Variant type: single nucleotide variant.
Coding change: c.4707C>A on transcript NM_006766.5 (MANE Select); coding-DNA position 4707, C replaced by A.
Protein change: p.Tyr1569Ter; replaces tyrosine 1569 with a stop codon.
Molecular consequence: nonsense.
Genome position (GRCh38, 1-based): chr8:41,933,513, G>T on the plus strand (C>A on the coding strand, the complement: KAT6A is on the minus strand). VCF-style: chr8-41933513-G-T. GRCh37 (hg19) VCF-style: chr8-41791031-G-T.
Other names: short protein forms Y1569*.
Identifiers: ClinVar variation 3370357 (VCV003370357.1).

ClinVar aggregate classification (germline): Uncertain significance (1 of 4 stars; one submission).

Conditions:
Autosomal dominant intellectual disability-craniofacial anomalies-cardiac defects syndrome (ARTHS). Also called: Arboleda-Tham syndrome; KAT6A syndrome; Mental retardation, autosomal dominant 32. Identifiers: Orphanet 457193, MedGen C4225396, MONDO:0014558, OMIM 616268.

Submission:

MVZ Medizinische Genetik Mainz
Classification: Uncertain significance for Autosomal dominant intellectual disability-craniofacial anomalies-cardiac defects syndrome. Last evaluated: 2024-10-01. Review status: criteria provided, single submitter. Criteria: UK Practice Guidelines For Variant Classification V4 01 2020. Collection method: clinical testing. Allele origin: germline. Inheritance: Autosomal dominant inheritance. Affected: yes. Observed: 1 variant allele.
Comment: ACMG Criteria: PVS1_STR,PM2_SUP